The following is an entry in ClinVar:

NM_025074.7(FRAS1):c.11299-7A>C

Gene: FRAS1 (Fraser extracellular matrix complex subunit 1; plus strand). Cytogenetic location: 4q21.21.
Variant type: single nucleotide variant.
Coding change: c.11299-7A>C on transcript NM_025074.7 (MANE Select); 7 bases into the intron before coding-DNA position 11299, A replaced by C.
Molecular consequence: intron variant.
Genome position (GRCh38, 1-based): chr4:78,539,287, A>C. VCF-style: chr4-78539287-A-C. GRCh37 (hg19) VCF-style: chr4-79460441-A-C.
Other names: c.11299-7A>C (NM_025074.6).
Identifiers: ClinVar variation 2904642 (VCV002904642.5), dbSNP rs763867453, ClinGen allele CA2979200.

ClinVar aggregate classification (germline): Likely benign. Review status: criteria provided, single submitter (1 of 4 stars). 2 submissions from 2 submitters: Likely benign (1). 1 of the submissions does not count toward it. Last evaluated 2025-02-02.

Conditions:
FRAS1-related disorder. Also called: FRAS1-related condition.

Allele frequency attached by ClinVar (database versions not stated): gnomAD exomes 0.00001; TOPMed 0.00002; ExAC 0.00003.
gnomAD v4.1: 7 of 1,595,258 alleles (0.00044%); highest among the groups gnomAD compares: Admixed American, 0.013%; no homozygotes.

Submissions (2):

Labcorp Genetics (formerly Invitae), Labcorp
Classification: Likely benign. Last evaluated: 2025-02-02. Review status: criteria provided, single submitter. Criteria: Invitae Variant Classification Sherloc (09022015). Collection method: clinical testing. Allele origin: germline.

PreventionGenetics, part of Exact Sciences
Classification: Likely benign for FRAS1-related condition. Last evaluated: 2021-06-17. Review status: no assertion criteria provided. Collection method: clinical testing. Allele origin: germline. Not counted in ClinVar's aggregate classification.
Comment: This variant is classified as likely benign based on ACMG/AMP sequence variant interpretation guidelines (Richards et al. 2015 PMID: 25741868, with internal and published modifications).